The following is an entry in ClinVar:

ClinVar aggregate classification (germline): Uncertain significance (1 of 4 stars; one submission).

Conditions:
Cardiovascular phenotype. Identifiers: MedGen CN230736.

Allele frequency attached by ClinVar (database versions not stated): gnomAD 0.00001.
gnomAD v4.1: 4 of 1,537,378 alleles (0.00026%); highest among the groups gnomAD compares: African/African-American, 0.0027%; no homozygotes.

Submission:

Ambry Genetics
Classification: Uncertain significance for Cardiovascular phenotype. Last evaluated: 2023-05-11. Review status: criteria provided, single submitter. Criteria: Ambry Variant Classification Scheme 2023. Collection method: clinical testing. Allele origin: germline.
Comment: The p.P1110S variant (also known as c.3328C>T), located in coding exon 2 of the ZNF469 gene, results from a C to T substitution at nucleotide position 3328. The proline at codon 1110 is replaced by serine, an amino acid with similar properties. This amino acid position is conserved. In addition, this alteration is predicted to be tolerated by in silico analysis. Since supporting evidence is limited at this time, the clinical significance of this alteration remains unclear.

NM_001367624.2(ZNF469):c.3412C>T (p.Pro1138Ser)

Gene: ZNF469 (zinc finger protein 469; plus strand). Cytogenetic location: 16q24.2.
Variant type: single nucleotide variant.
Coding change: c.3412C>T on transcript NM_001367624.2 (MANE Select); coding-DNA position 3412, C replaced by T.
Protein change: p.Pro1138Ser; replaces proline 1138 with serine.
Molecular consequence: missense variant.
Genome position (GRCh38, 1-based): chr16:88,430,882, C>T. VCF-style: chr16-88430882-C-T. GRCh37 (hg19) VCF-style: chr16-88497290-C-T.
Other names: NM_001127464.1:c.3328C>T; short protein forms P1138S.
Identifiers: ClinVar variation 2564246 (VCV002564246.2), dbSNP rs1319760938, ClinGen allele CA397084056.